The following is an entry in ClinVar:

NM_201548.5(CERKL):c.848_849del (p.Leu283fs)

Gene: CERKL (CERK like autophagy regulator; minus strand). Cytogenetic location: 2q31.3.
Variant type: Deletion.
Coding change: c.848_849del on transcript NM_201548.5 (MANE Select); coding-DNA positions 848 to 849, 2 bases deleted (TT; older notation c.848_849delTT).
Protein change: p.Leu283fs; shifts the reading frame from leucine 283.
Molecular consequence: frameshift variant. On other transcripts: non-coding transcript variant (2).
Genome position (GRCh38, 1-based): chr2:181,549,680-181,549,681, AA deleted on the plus strand (TT on the coding strand, the reverse complement: CERKL is on the minus strand). VCF-style (leftmost placement, unchanged base first): chr2-181549679-GAA-G. GRCh37 (hg19) VCF-style: chr2-182414406-GAA-G.
Other names: c.926_927del, p.Leu309fs (NM_001030311.3); c.509_510del, p.Leu170fs (NM_001030312.3); c.641_642del, p.Leu214fs (NM_001030313.3); c.794_795del, p.Leu265fs (NM_001160277.2); c.926_927del (NM_001030311.2); short protein forms L170fs, L309fs, L283fs, L214fs, L265fs.
Identifiers: ClinVar variation 1425842 (VCV001425842.8), dbSNP rs2105805625, ClinGen allele CA2573134254.

ClinVar aggregate classification (germline): Pathogenic/Likely pathogenic. Review status: criteria provided, multiple submitters, no conflicts (2 of 4 stars). 3 submissions from 3 submitters: Pathogenic (1); Likely pathogenic (2). Last evaluated 2024-07-18.

Conditions:
Retinitis pigmentosa 26 (RP26). Identifiers: Orphanet 791, MedGen C1842127, MONDO:0012024, OMIM 608380.

Submissions (3):

Natera, Inc.
Classification: Likely pathogenic for Retinitis Pigmentosa 26. Last evaluated: 2024-07-18. Review status: criteria provided, single submitter. Criteria: Natera Variant Classification Schema (03/2026). Collection method: clinical testing. Allele origin: germline.
Comment: The c.926_927del variant in CERKL is a frameshift variant predicted to shift the reading frame beginning at codon 309 and leads to a stop codon 60 codons downstream. This variant is expected to result in nonsense mediated decay, truncation, or a dysfunctional protein product. This variant is rare in the general population with a frequency below the threshold expected for the associated phenotype(s). Given the available evidence, this variant is classified as Likely Pathogenic.

Baylor Genetics
Classification: Likely pathogenic for Retinitis pigmentosa 26. Last evaluated: 2023-04-28. Review status: criteria provided, single submitter. Criteria: ACMG Guidelines, 2015. Collection method: clinical testing. Allele origin: unknown.

Labcorp Genetics (formerly Invitae), Labcorp
Classification: Pathogenic. Last evaluated: 2022-12-04. Review status: criteria provided, single submitter. Criteria: Invitae Variant Classification Sherloc (09022015). Collection method: clinical testing. Allele origin: germline.
Comment: For these reasons, this variant has been classified as Pathogenic. ClinVar contains an entry for this variant (Variation ID: 1425842). This variant has not been reported in the literature in individuals affected with CERKL-related conditions. This variant is not present in population databases (gnomAD no frequency). This sequence change creates a premature translational stop signal (p.Leu309Profs*60) in the CERKL gene. It is expected to result in an absent or disrupted protein product. Loss-of-function variants in CERKL are known to be pathogenic (PMID: 14681825, 23591405, 24043777).

Literature cited by the submitters: PubMed 14681825 (cited by Labcorp Genetics (formerly Invitae), Labcorp); PubMed 23591405 (cited by Labcorp Genetics (formerly Invitae), Labcorp); PubMed 24043777 (cited by Labcorp Genetics (formerly Invitae), Labcorp).